The following is an entry in ClinVar:

ClinVar aggregate classification (germline): Uncertain significance (1 of 4 stars; one submission).

Submission:

Labcorp Genetics (formerly Invitae), Labcorp
Classification: Uncertain significance. Last evaluated: 2025-04-28. Review status: criteria provided, single submitter. Criteria: Invitae Variant Classification Sherloc (09022015). Collection method: clinical testing. Allele origin: germline.
Comment: This sequence change replaces valine, which is neutral and non-polar, with methionine, which is neutral and non-polar, at codon 7 of the MBTPS2 protein (p.Val7Met). This variant is not present in population databases (gnomAD no frequency). This variant has not been reported in the literature in individuals affected with MBTPS2-related conditions. Invitae Evidence Modeling of protein sequence and biophysical properties (such as structural, functional, and spatial information, amino acid conservation, physicochemical variation, residue mobility, and thermodynamic stability) has been performed for this missense variant. However, the output from this modeling did not meet the statistical confidence thresholds required to predict the impact of this variant on MBTPS2 protein function. In summary, the available evidence is currently insufficient to determine the role of this variant in disease. Therefore, it has been classified as a Variant of Uncertain Significance.

NM_015884.4(MBTPS2):c.19G>A (p.Val7Met)

Gene: MBTPS2 (membrane bound transcription factor peptidase, site 2; plus strand). Cytogenetic location: Xp22.12.
Variant type: single nucleotide variant.
Coding change: c.19G>A on transcript NM_015884.4 (MANE Select); coding-DNA position 19, G replaced by A.
Protein change: p.Val7Met; replaces valine 7 with methionine.
Molecular consequence: missense variant.
Genome position (GRCh38, 1-based): chrX:21,839,753, G>A. VCF-style: chrX-21839753-G-A. GRCh37 (hg19) VCF-style: chrX-21857871-G-A.
Other names: short protein forms V7M.
Identifiers: ClinVar variation 4807161 (VCV004807161.1).